The following is an entry in ClinVar:

ClinVar aggregate classification (germline): Likely pathogenic (1 of 4 stars; one submission).

Conditions:
Dilated cardiomyopathy 1G (CMD1G). Identifiers: Orphanet 154, MedGen C1858763, MONDO:0011400, OMIM 604145.
Autosomal recessive limb-girdle muscular dystrophy type 2J (LGMDR10). Also called: MUSCULAR DYSTROPHY, LIMB-GIRDLE, AUTOSOMAL RECESSIVE 10; Limb-girdle muscular dystrophy, type 2J. Identifiers: Orphanet 140922, MedGen C1837342, MONDO:0012127, OMIM 608807.

Submission:

Labcorp Genetics (formerly Invitae), Labcorp
Classification: Likely pathogenic for Dilated cardiomyopathy 1G; Autosomal recessive limb-girdle muscular dystrophy type 2J. Last evaluated: 2021-09-15. Review status: criteria provided, single submitter. Criteria: Invitae Variant Classification Sherloc (09022015). Collection method: clinical testing. Allele origin: germline.
Comment: This variant is not present in population databases (ExAC no frequency). In summary, the currently available evidence indicates that the variant is pathogenic, but additional data are needed to prove that conclusively. Therefore, this variant has been classified as Likely Pathogenic. This variant is located in the A band of TTN (PMID: 25589632). Truncating variants in this region are significantly overrepresented in patients affected with dilated cardiomyopathy (PMID: 25589632). Truncating variants in this region have also been reported in individuals affected with autosomal recessive centronuclear myopathy (PMID: 23975875). This variant has not been reported in the literature in individuals affected with TTN-related conditions. This sequence change creates a premature translational stop signal (p.Glu20505Aspfs*4) in the TTN gene. While this is not anticipated to result in nonsense mediated decay, it is expected to create a truncated TTN protein.

Literature cited by the submitters: PubMed 25589632; PubMed 23975875.

NM_001267550.2(TTN):c.61515del (p.Glu20505fs)

Genes: TTN-AS1 (TTN antisense RNA 1; plus strand), TTN (titin; minus strand). Cytogenetic location: 2q31.2.
Variant type: Deletion.
Coding change: c.61515del on transcript NM_001267550.2 (MANE Select); coding-DNA position 61515, one base deleted (A; older notation c.61515delA).
Protein change: p.Glu20505fs; shifts the reading frame from glutamic acid 20505.
Molecular consequence: frameshift variant.
Genome position (GRCh38, 1-based): chr2:178,590,210, T deleted on the plus strand (A on the coding strand, the reverse complement: TTN is on the minus strand); the first of 2 consecutive T bases (chr2:178,590,210-178,590,211); deleting either gives the same sequence. VCF-style (leftmost placement, unchanged base first): chr2-178590209-GT-G. GRCh37 (hg19) VCF-style: chr2-179454936-GT-G.
Other names: c.56592del, p.Glu18864fs (NM_001256850.1); c.34320del, p.Glu11440fs (NM_003319.4); c.53811del, p.Glu17937fs (NM_133378.4); c.34695del, p.Glu11565fs (NM_133432.3); c.34896del, p.Glu11632fs (NM_133437.4); short protein forms E11565fs, E11632fs, E18864fs, E11440fs, E17937fs, E20505fs.
Identifiers: ClinVar variation 1476035 (VCV001476035.6), dbSNP rs2154184240, ClinGen allele CA2573133828.